The following is an entry in ClinVar:

NM_001367624.2(ZNF469):c.9063C>T (p.Pro3021=)

Gene: ZNF469 (zinc finger protein 469; plus strand). Cytogenetic location: 16q24.2.
Variant type: single nucleotide variant.
Coding change: c.9063C>T on transcript NM_001367624.2 (MANE Select); coding-DNA position 9063, C replaced by T.
Protein change: p.Pro3021=; no amino-acid change (proline 3021 retained).
Molecular consequence: synonymous variant.
Genome position (GRCh38, 1-based): chr16:88,436,533, C>T. VCF-style: chr16-88436533-C-T. GRCh37 (hg19) VCF-style: chr16-88502941-C-T.
Other names: NM_001127464.1:c.8979C>T; p.Pro3021=.
Identifiers: ClinVar variation 1765297 (VCV001765297.9), dbSNP rs374160099, ClinGen allele CA8225403.
Genomic context (GRCh38, chr16:88,436,533, plus strand): 5'-GATGCCGGCCCCTGCCGATGACTCCTCCTCTTCTCTCGGAGATGTGAGCCCCGAGCCCCC[C>T]AGCCTGGAGAGAGAACGCTGTGACGGTGGGCTTCCCGGGAACACCCACCTGCTGCCGCTC-3'
Protein context (NP_001354553.1, residues 3011-3031): SSLGDVSPEP[Pro3021=]SLERERCDGG

ClinVar aggregate classification (germline): Likely benign. Review status: criteria provided, multiple submitters, no conflicts (2 of 4 stars). 4 submissions from 4 submitters: Likely benign (4). Last evaluated 2026-03-02.

Conditions:
Cardiovascular phenotype. Identifiers: MedGen CN230736.

Allele frequency attached by ClinVar (database versions not stated): ExAC 0.00012; 1000 Genomes Project 30x 0.00016; 1000 Genomes Project 0.00020.
gnomAD v4.1: 62 of 1,549,428 alleles (0.004%); highest among the groups gnomAD compares: African/African-American, 0.079%; no homozygotes.

Submissions (4):

Women's Health and Genetics/Laboratory Corporation of America, LabCorp
Classification: Likely benign. Last evaluated: 2026-03-02. Review status: criteria provided, single submitter. Criteria: LabCorp Variant Classification Summary - May 2015. Collection method: clinical testing. Allele origin: germline.

Mayo Clinic Laboratories, Mayo Clinic
Classification: Likely benign. Last evaluated: 2025-02-11. Review status: criteria provided, single submitter. Criteria: ACMG Guidelines, 2015. Collection method: clinical testing. Allele origin: germline. Observed: 1 variant allele.
Comment: BP4, BP7

Labcorp Genetics (formerly Invitae), Labcorp
Classification: Likely benign. Last evaluated: 2024-02-29. Review status: criteria provided, single submitter. Criteria: Invitae Variant Classification Sherloc (09022015). Collection method: clinical testing. Allele origin: germline.

Ambry Genetics
Classification: Likely benign for Cardiovascular phenotype. Last evaluated: 2020-01-06. Review status: criteria provided, single submitter. Criteria: Ambry Variant Classification Scheme 2023. Collection method: clinical testing. Allele origin: germline.